The following is an entry in ClinVar:

NM_001201407.2(ZNF778):c.1584C>T (p.Thr528=)

Gene: ZNF778 (zinc finger protein 778; plus strand). Cytogenetic location: 16q24.3.
Variant type: single nucleotide variant.
Coding change: c.1584C>T on transcript NM_001201407.2 (MANE Select); coding-DNA position 1584, C replaced by T.
Protein change: p.Thr528=; no amino-acid change (threonine 528 retained).
Molecular consequence: synonymous variant. On other transcripts: non-coding transcript variant (1).
Genome position (GRCh38, 1-based): chr16:89,227,872, C>T. VCF-style: chr16-89227872-C-T. GRCh37 (hg19) VCF-style: chr16-89294280-C-T.
Other names: c.1584C>T, p.Thr528= (NM_001378881.1); c.1500C>T, p.Thr500= (NM_182531.5).
Identifiers: ClinVar variation 708239 (VCV000708239.28), dbSNP rs146370283, ClinGen allele CA8240432.

ClinVar aggregate classification (germline): Benign. Review status: criteria provided, multiple submitters, no conflicts (2 of 4 stars). 3 submissions from 3 submitters: Benign (3). Last evaluated 2023-04-01.

Allele frequency attached by ClinVar (database versions not stated): 1000 Genomes Project 0.00399; 1000 Genomes Project 30x 0.00468; TOPMed 0.00634; gnomAD exomes 0.00644; ExAC 0.00647; ESP Exome Variant Server 0.00647; gnomAD 0.00731 and 0.00768.

Submissions (3):

CeGaT Center for Human Genetics Tuebingen
Classification: Benign. Last evaluated: 2023-04-01. Review status: criteria provided, single submitter. Criteria: CeGaT Center For Human Genetics Tuebingen Variant Classification Criteria Version 2. Collection method: clinical testing. Allele origin: germline. Affected: yes. Observed: 1 variant allele.
Comment: ZNF778: BP4, BP7, BS1, BS2

Labcorp Genetics (formerly Invitae), Labcorp
Classification: Benign. Last evaluated: 2018-02-27. Review status: criteria provided, single submitter. Criteria: Invitae Variant Classification Sherloc (09022015). Collection method: clinical testing. Allele origin: germline.

Breakthrough Genomics
Classification: Benign. Review status: criteria provided, single submitter. Criteria: ACMG Guidelines, 2015. Collection method: not provided. Allele origin: germline. Inheritance: Unknown mechanism. Affected: yes.